The following is an entry in ClinVar:

ClinVar aggregate classification (germline): Uncertain significance. Review status: criteria provided, multiple submitters, no conflicts (2 of 4 stars). 2 submissions from 2 submitters: Uncertain significance (2). Last evaluated 2025-04-28.

Conditions:
Hereditary cancer-predisposing syndrome. Also called: Tumor predisposition; Hereditary neoplastic syndrome; Neoplastic Syndromes, Hereditary; Hereditary Cancer Syndrome. Identifiers: Orphanet 140162, MedGen C0027672, MeSH D009386, MONDO:0015356.
Renal cell carcinoma. Identifiers: Orphanet 217071, MedGen C0007134, MeSH D002292, MONDO:0005086, HP:0005584.

Submissions (2):

Labcorp Genetics (formerly Invitae), Labcorp
Classification: Uncertain significance for Renal cell carcinoma. Last evaluated: 2025-04-28. Review status: criteria provided, single submitter. Criteria: Invitae Variant Classification Sherloc (09022015). Collection method: clinical testing. Allele origin: germline.
Comment: This sequence change replaces alanine, which is neutral and non-polar, with serine, which is neutral and polar, at codon 1004 of the MET protein (p.Ala1004Ser). This variant is not present in population databases (gnomAD no frequency). This variant has not been reported in the literature in individuals affected with MET-related conditions. ClinVar contains an entry for this variant (Variation ID: 861357). Invitae Evidence Modeling of protein sequence and biophysical properties (such as structural, functional, and spatial information, amino acid conservation, physicochemical variation, residue mobility, and thermodynamic stability) indicates that this missense variant is not expected to disrupt MET protein function with a negative predictive value of 80%. In summary, the available evidence is currently insufficient to determine the role of this variant in disease. Therefore, it has been classified as a Variant of Uncertain Significance.

Ambry Genetics
Classification: Uncertain significance for Hereditary cancer-predisposing syndrome. Last evaluated: 2024-12-04. Review status: criteria provided, single submitter. Criteria: Ambry Variant Classification Scheme 2023. Collection method: clinical testing. Allele origin: germline.
Comment: The p.A1004S variant (also known as c.3010G>T), located in coding exon 13 of the MET gene, results from a G to T substitution at nucleotide position 3010. The alanine at codon 1004 is replaced by serine, an amino acid with similar properties. This amino acid position is highly conserved in available vertebrate species. In addition, the in silico prediction for this alteration is inconclusive. Based on the available evidence, the clinical significance of this variant remains unclear.

NM_000245.4(MET):c.2956G>T (p.Ala986Ser)

Gene: MET (MET proto-oncogene, receptor tyrosine kinase; plus strand). Cytogenetic location: 7q31.2.
Variant type: single nucleotide variant.
Coding change: c.2956G>T on transcript NM_000245.4 (MANE Select); coding-DNA position 2956, G replaced by T.
Protein change: p.Ala986Ser; replaces alanine 986 with serine.
Molecular consequence: missense variant.
Genome position (GRCh38, 1-based): chr7:116,771,917, G>T. VCF-style: chr7-116771917-G-T. GRCh37 (hg19) VCF-style: chr7-116411971-G-T.
Other names: c.3010G>T, p.Ala1004Ser (NM_001127500.3); c.1666G>T, p.Ala556Ser (NM_001324402.2); short protein forms A1004S, A556S, A986S.
Identifiers: ClinVar variation 861357 (VCV000861357.13), dbSNP rs1794848174, ClinGen allele CA368987204.